The following is an entry in ClinVar:

NM_014244.5(ADAMTS2):c.3608G>A (p.Arg1203Gln)

Gene: ADAMTS2 (ADAM metallopeptidase with thrombospondin type 1 motif 2; minus strand). Cytogenetic location: 5q35.3.
Variant type: single nucleotide variant.
Coding change: c.3608G>A on transcript NM_014244.5 (MANE Select); coding-DNA position 3608, G replaced by A.
Protein change: p.Arg1203Gln; replaces arginine 1203 with glutamine.
Molecular consequence: missense variant.
Genome position (GRCh38, 1-based): chr5:179,113,895, C>T on the plus strand (G>A on the coding strand, the complement: ADAMTS2 is on the minus strand). VCF-style: chr5-179113895-C-T. GRCh37 (hg19) VCF-style: chr5-178540896-C-T.
Other names: short protein forms R1203Q.
Identifiers: ClinVar variation 568847 (VCV000568847.8), dbSNP rs772059202, ClinGen allele CA3595189.

ClinVar aggregate classification (germline): Uncertain significance. Review status: criteria provided, multiple submitters, no conflicts (2 of 4 stars). 3 submissions from 3 submitters: Uncertain significance (2). 1 of the submissions does not count toward it. Last evaluated 2025-09-03.

Conditions:
Ehlers-Danlos syndrome, dermatosparaxis type. Also called: Dermatosparaxis; EDS VIIC; Ehlers-Danlos syndrome, type VII, autosomal recessive. Identifiers: Orphanet 1901, MedGen C2700425, MONDO:0009161, OMIM 225410.

Allele frequency attached by ClinVar (database versions not stated): ExAC 0.00001; gnomAD 0.00001; gnomAD exomes 0.00001; TOPMed 0.00002.
gnomAD v4.1: 20 of 1,613,998 alleles (0.0012%); highest among the groups gnomAD compares: Middle Eastern, 0.016%; no homozygotes.

Submissions (3):

Women's Health and Genetics/Laboratory Corporation of America, LabCorp
Classification: Uncertain significance. Last evaluated: 2025-09-03. Review status: criteria provided, single submitter. Criteria: LabCorp Variant Classification Summary - May 2015. Collection method: clinical testing. Allele origin: germline.
Comment: Variant summary: ADAMTS2 c.3608G>A (p.Arg1203Gln) results in a conservative amino acid change in the encoded protein sequence. Algorithms developed to predict the effect of missense changes on protein structure and function all suggest that this variant is likely to be tolerated. The variant allele was found at a frequency of 1.2e-05 in 251480 control chromosomes. The available data on variant occurrences in the general population are insufficient to allow any conclusion about variant significance. To our knowledge, no occurrence of c.3608G>A in individuals affected with ADAMTS2-related conditions and no experimental evidence demonstrating its impact on protein function have been reported. ClinVar contains an entry for this variant (Variation ID: 568847). Based on the evidence outlined above, the variant was classified as uncertain significance.

Labcorp Genetics (formerly Invitae), Labcorp
Classification: Uncertain significance for Ehlers-Danlos syndrome, dermatosparaxis type. Last evaluated: 2021-08-28. Review status: criteria provided, single submitter. Criteria: Invitae Variant Classification Sherloc (09022015). Collection method: clinical testing. Allele origin: germline.
Comment: This sequence change replaces arginine with glutamine at codon 1203 of the ADAMTS2 protein (p.Arg1203Gln). The arginine residue is moderately conserved and there is a small physicochemical difference between arginine and glutamine. This variant is present in population databases (rs772059202, ExAC 0.001%). This variant has not been reported in the literature in individuals affected with ADAMTS2-related conditions. ClinVar contains an entry for this variant (Variation ID: 568847). Algorithms developed to predict the effect of missense changes on protein structure and function output the following: SIFT: "Tolerated"; PolyPhen-2: "Benign"; Align-GVGD: "Class C0". The glutamine amino acid residue is found in multiple mammalian species, which suggests that this missense change does not adversely affect protein function. In summary, the available evidence is currently insufficient to determine the role of this variant in disease. Therefore, it has been classified as a Variant of Uncertain Significance.

Natera, Inc.
Classification: Uncertain significance for Ehlers-Danlos syndrome type VIIC. Last evaluated: 2019-10-28. Review status: no assertion criteria provided. Collection method: clinical testing. Allele origin: germline. Not counted in ClinVar's aggregate classification.